The following is an entry in ClinVar:

ClinVar aggregate classification (germline): Uncertain significance (0 of 4 stars; one submission).

Conditions:
PLXNA2-related disorder. Also called: PLXNA2-related condition.

Submission:

PreventionGenetics, part of Exact Sciences
Classification: Uncertain significance for PLXNA2-related condition. Last evaluated: 2024-02-02. Review status: no assertion criteria provided. Collection method: clinical testing. Allele origin: germline.
Comment: The PLXNA2 c.3726C>G variant is predicted to result in the amino acid substitution p.Ile1242Met. To our knowledge, this variant has not been reported in the literature or in a large population database, indicating this variant is rare. At this time, the clinical significance of this variant is uncertain due to the absence of conclusive functional and genetic evidence.

NM_025179.4(PLXNA2):c.3726C>G (p.Ile1242Met)

Gene: PLXNA2 (plexin A2; minus strand). Cytogenetic location: 1q32.2.
Variant type: single nucleotide variant.
Coding change: c.3726C>G on transcript NM_025179.4 (MANE Select); coding-DNA position 3726, C replaced by G.
Protein change: p.Ile1242Met; replaces isoleucine 1242 with methionine.
Molecular consequence: missense variant.
Genome position (GRCh38, 1-based): chr1:208,044,656, G>C on the plus strand (C>G on the coding strand, the complement: PLXNA2 is on the minus strand). VCF-style: chr1-208044656-G-C. GRCh37 (hg19) VCF-style: chr1-208218001-G-C.
Other names: short protein forms I1242M.
Identifiers: ClinVar variation 3349670 (VCV003349670.1).